The following is an entry in ClinVar:

ClinVar aggregate classification (germline): Uncertain significance (1 of 4 stars; one submission).

gnomAD v4.1: 1 of 1,610,910 alleles (0.000062%); highest among the groups gnomAD compares: South Asian, 0.0011%; no homozygotes.

Submission:

Women's Health and Genetics/Laboratory Corporation of America, LabCorp
Classification: Uncertain significance. Last evaluated: 2026-06-18. Review status: criteria provided, single submitter. Criteria: LabCorp Variant Classification Summary - May 2015. Collection method: clinical testing. Allele origin: germline.
Comment: Variant summary: COL4A3 c.3210G>A (p.Thr1070Thr) alters a conserved nucleotide located close to a canonical splice site and therefore could affect mRNA splicing, leading to a significantly altered protein sequence. Several computational tools predict a significant impact on normal splicing: Two predict the variant abolishes a canonical 5' splicing donor site. However, these predictions have yet to be confirmed by functional studies. The variant was absent in 244902 control chromosomes. The available data on variant occurrences in the general population are insufficient to allow any conclusion about variant significance. To our knowledge, no occurrence of c.3210G>A in individuals affected with COL4A3-related conditions and no experimental evidence demonstrating its impact on protein function have been reported. No submitters have cited clinical-significance assessments for this variant to ClinVar. Based on the evidence outlined above, the variant was classified as uncertain significance.

NM_000091.5(COL4A3):c.3210G>A (p.Thr1070=)

Genes: COL4A3 (collagen type IV alpha 3 chain; plus strand), MFF-DT (MFF divergent transcript; minus strand). Cytogenetic location: 2q36.3.
Variant type: single nucleotide variant.
Coding change: c.3210G>A on transcript NM_000091.5 (MANE Select); coding-DNA position 3210, G replaced by A.
Protein change: p.Thr1070=; no amino-acid change (threonine 1070 retained).
Molecular consequence: synonymous variant.
Genome position (GRCh38, 1-based): chr2:227,290,886, G>A. VCF-style: chr2-227290886-G-A. GRCh37 (hg19) VCF-style: chr2-228155602-G-A.
Identifiers: ClinVar variation 4887134 (VCV004887134.1).
Genomic context (GRCh38, chr2:227,290,886, plus strand): 5'-GGGAGATAAGGGAGAGCCAGGTTATTCAGAAGGTACAAGGCCAGGACCACCGGGACCAAC[G>A]GTATATAGGCCACTGAAATATTTACATTTTAGTGGTGGAGTGAGTGCCTTGAAAAATATC-3'
Protein context (NP_000082.2, residues 1060-1080): EGTRPGPPGP[Thr1070=]GDPGLPGDMG